The following is an entry in ClinVar:

NM_002444.3(MSN):c.22C>T (p.Arg8Cys)

Gene: MSN (moesin; plus strand). Cytogenetic location: Xq12.
Variant type: single nucleotide variant.
Coding change: c.22C>T on transcript NM_002444.3 (MANE Select); coding-DNA position 22, C replaced by T.
Protein change: p.Arg8Cys; replaces arginine 8 with cysteine.
Molecular consequence: missense variant.
Genome position (GRCh38, 1-based): chrX:65,716,827, C>T. VCF-style: chrX-65716827-C-T. GRCh37 (hg19) VCF-style: chrX-64936689-C-T.
Other names: short protein forms R8C.
Identifiers: ClinVar variation 1486797 (VCV001486797.6), dbSNP rs759664613, ClinGen allele CA10434438.

ClinVar aggregate classification (germline): Uncertain significance (1 of 4 stars; one submission).

Allele frequency attached by ClinVar (database versions not stated): gnomAD exomes 0.00001 and 0.00003; TOPMed 0.00002; gnomAD 0.00003 and 0.00004.
gnomAD v4.1: 39 of 1,206,604 alleles (0.0032%); highest among the groups gnomAD compares: Non-Finnish European, 0.0038%; no homozygotes.

Submission:

Labcorp Genetics (formerly Invitae), Labcorp
Classification: Uncertain significance. Last evaluated: 2025-08-20. Review status: criteria provided, single submitter. Criteria: Invitae Variant Classification Sherloc (09022015). Collection method: clinical testing. Allele origin: germline.
Comment: This sequence change replaces arginine, which is basic and polar, with cysteine, which is neutral and slightly polar, at codon 8 of the MSN protein (p.Arg8Cys). The frequency data for this variant in the population databases is considered unreliable, as metrics indicate poor data quality at this position in the gnomAD database. This variant has not been reported in the literature in individuals affected with MSN-related conditions. ClinVar contains an entry for this variant (Variation ID: 1486797). An algorithm developed to predict the effect of missense changes on protein structure and function (PolyPhen-2) suggests that this variant is likely to be tolerated. In summary, the available evidence is currently insufficient to determine the role of this variant in disease. Therefore, it has been classified as a Variant of Uncertain Significance.